The following is an entry in ClinVar:

ClinVar aggregate classification (germline): Conflicting classifications of pathogenicity. Review status: criteria provided, conflicting classifications (1 of 4 stars). 2 submissions from 2 submitters: Uncertain significance (1); Likely benign (1). Last evaluated 2022-06-07.

Conditions:
Mosaic variegated aneuploidy syndrome 1 (MVA1). Also called: Warburton-Anyane-Yeboa syndrome. Identifiers: Orphanet 1052, MedGen C1850343, MONDO:0009759, OMIM 257300.
Inborn genetic diseases. Identifiers: MedGen C0950123, MeSH D030342.

Allele frequency attached by ClinVar (database versions not stated): gnomAD exomes below 0.00001; TOPMed below 0.00001.
gnomAD v4.1: 3 of 1,613,888 alleles (0.00019%); highest among the groups gnomAD compares: East Asian, 0.0045%; no homozygotes.

Submissions (2):

Ambry Genetics
Classification: Likely benign for Inborn genetic diseases. Last evaluated: 2022-06-07. Review status: criteria provided, single submitter. Criteria: Ambry Variant Classification Scheme 2023. Collection method: clinical testing. Allele origin: germline.

Labcorp Genetics (formerly Invitae), Labcorp
Classification: Uncertain significance for Mosaic variegated aneuploidy syndrome 1. Last evaluated: 2019-06-17. Review status: criteria provided, single submitter. Criteria: Invitae Variant Classification Sherloc (09022015). Collection method: clinical testing. Allele origin: germline.
Comment: This sequence change affects codon 250 of the BUB1B mRNA. It is a 'silent' change, meaning that it does not change the encoded amino acid sequence of the BUB1B protein. This variant is not present in population databases (ExAC no frequency). This variant has not been reported in the literature in individuals with BUB1B-related conditions. In summary, the available evidence is currently insufficient to determine the role of this variant in disease. Therefore, it has been classified as a Variant of Uncertain Significance.

NM_001211.6(BUB1B):c.750G>A (p.Lys250=)

Gene: BUB1B (BUB1 mitotic checkpoint serine/threonine kinase B; plus strand). Cytogenetic location: 15q15.1.
Variant type: single nucleotide variant.
Coding change: c.750G>A on transcript NM_001211.6 (MANE Select); coding-DNA position 750, G replaced by A.
Protein change: p.Lys250=; no amino-acid change (lysine 250 retained).
Molecular consequence: synonymous variant.
Genome position (GRCh38, 1-based): chr15:40,183,882, G>A. VCF-style: chr15-40183882-G-A. GRCh37 (hg19) VCF-style: chr15-40476083-G-A.
Identifiers: ClinVar variation 952289 (VCV000952289.13), dbSNP rs1440328650, ClinGen allele CA489706764.